The following is an entry in ClinVar:

ClinVar aggregate classification (germline): Uncertain significance. Review status: criteria provided, multiple submitters, no conflicts (2 of 4 stars). 2 submissions from 2 submitters: Uncertain significance (2). Last evaluated 2025-06-19.

Allele frequency attached by ClinVar (database versions not stated): TOPMed 0.00001; gnomAD 0.00005; 1000 Genomes Project 30x 0.00016; 1000 Genomes Project 0.00020.
gnomAD v4.1: 65 of 1,595,966 alleles (0.0041%); highest among the groups gnomAD compares: East Asian, 0.15%; 2 homozygotes.

Submissions (2):

Labcorp Genetics (formerly Invitae), Labcorp
Classification: Uncertain significance. Last evaluated: 2025-06-19. Review status: criteria provided, single submitter. Criteria: Invitae Variant Classification Sherloc (09022015). Collection method: clinical testing. Allele origin: germline.
Comment: This sequence change replaces leucine, which is neutral and non-polar, with arginine, which is basic and polar, at codon 642 of the MKL1 protein (p.Leu642Arg). This variant is present in population databases (rs557616700, gnomAD 0.04%). This variant has not been reported in the literature in individuals affected with MKL1-related conditions. ClinVar contains an entry for this variant (Variation ID: 3210022). An algorithm developed to predict the effect of missense changes on protein structure and function (PolyPhen-2) suggests that this variant is likely to be disruptive. In summary, the available evidence is currently insufficient to determine the role of this variant in disease. Therefore, it has been classified as a Variant of Uncertain Significance.

Ambry Genetics
Classification: Uncertain significance. Last evaluated: 2022-12-19. Review status: criteria provided, single submitter. Criteria: Ambry Variant Classification Scheme 2023. Collection method: clinical testing. Allele origin: germline.

NM_020831.6(MRTFA):c.2225T>G (p.Leu742Arg)

Gene: MRTFA (myocardin related transcription factor A; minus strand). Cytogenetic location: 22q13.1.
Variant type: single nucleotide variant.
Coding change: c.2225T>G on transcript NM_020831.6 (MANE Select); coding-DNA position 2225, T replaced by G.
Protein change: p.Leu742Arg; replaces leucine 742 with arginine.
Molecular consequence: missense variant.
Genome position (GRCh38, 1-based): chr22:40,418,513, A>C on the plus strand (T>G on the coding strand, the complement: MRTFA is on the minus strand). VCF-style: chr22-40418513-A-C. GRCh37 (hg19) VCF-style: chr22-40814517-A-C.
Other names: c.1925T>G, p.Leu642Arg (NM_001282660.2); c.2075T>G, p.Leu692Arg (NM_001282661.3); c.2225T>G, p.Leu742Arg (NM_001282662.3); c.2030T>G, p.Leu677Arg (NM_001318139.2); short protein forms L677R, L742R, L642R, L692R.
Identifiers: ClinVar variation 3210022 (VCV003210022.2), dbSNP rs557616700, ClinGen allele CA10249413.
Genomic context (GRCh38, chr22:40,418,513, plus strand): 5'-GAGTCGGTGATGAGGGTGGGAGGTGCAACCCCCTTGATGAGGCTGGGGCCCTGAGGCCCC[A>C]GAAGCAACTGGGGGGCGGGGACCGGCTCGGGCTCAGGCTGCAAGGCTTCCTGCTTCACCA-3'
Protein context (NP_065882.2, residues 732-752): PEPVPAPQLL[Leu742Arg]GPQGPSLIKG